The following is an entry in ClinVar:

ClinVar aggregate classification (germline): Uncertain significance (1 of 4 stars; one submission).

Submission:

CeGaT Center for Human Genetics Tuebingen
Classification: Uncertain significance. Last evaluated: 2026-01-01. Review status: criteria provided, single submitter. Criteria: CeGaT Center For Human Genetics Tuebingen Variant Classification Criteria Version 2. Collection method: clinical testing. Allele origin: germline. Affected: yes. Observed: 1 variant allele.
Comment: MAPK8IP3: PM2

NM_001318852.2(MAPK8IP3):c.2393T>C (p.Val798Ala)

Gene: MAPK8IP3 (mitogen-activated protein kinase 8 interacting protein 3; plus strand). Cytogenetic location: 16p13.3.
Variant type: single nucleotide variant.
Coding change: c.2393T>C on transcript NM_001318852.2 (MANE Select); coding-DNA position 2393, T replaced by C.
Protein change: p.Val798Ala; replaces valine 798 with alanine.
Molecular consequence: missense variant.
Genome position (GRCh38, 1-based): chr16:1,765,125, T>C. VCF-style: chr16-1765125-T-C. GRCh37 (hg19) VCF-style: chr16-1815126-T-C.
Other names: c.2372T>C, p.Val791Ala (NM_001040439.2); c.2390T>C, p.Val797Ala (NM_015133.5); short protein forms V791A, V797A, V798A.
Identifiers: ClinVar variation 4823148 (VCV004823148.4).